The following is an entry in ClinVar:

ClinVar aggregate classification (germline): Likely pathogenic (1 of 4 stars; one submission).

Conditions:
Early-infantile DEE. Also called: Early infantile epileptic encephalopathy; Ohtahara syndrome; Early infantile epileptic encephalopathy with suppression bursts. Identifiers: Orphanet 1934, MedGen C0393706, MONDO:0800491.

Submission:

Labcorp Genetics (formerly Invitae), Labcorp
Classification: Likely pathogenic for Early-infantile DEE. Last evaluated: 2021-02-21. Review status: criteria provided, single submitter. Criteria: Invitae Variant Classification Sherloc (09022015). Collection method: clinical testing. Allele origin: germline.
Comment: In summary, the currently available evidence indicates that the variant is pathogenic, but additional data are needed to prove that conclusively. Therefore, this variant has been classified as Likely Pathogenic. This variant disrupts the p.Met251 amino acid residue in SCN1A. Other variant(s) that disrupt this residue have been determined to be pathogenic (Invitae). This suggests that this residue is clinically significant, and that variants that disrupt this residue are likely to be disease-causing. Advanced modeling of protein sequence and biophysical properties (such as structural, functional, and spatial information, amino acid conservation, physicochemical variation, residue mobility, and thermodynamic stability) performed at Invitae indicates that this missense variant is expected to disrupt SCN1A protein function. This variant has not been reported in the literature in individuals with SCN1A-related conditions. This variant is not present in population databases (ExAC no frequency). This sequence change replaces methionine with leucine at codon 251 of the SCN1A protein (p.Met251Leu). The methionine residue is highly conserved and there is a small physicochemical difference between methionine and leucine.

NM_001165963.4(SCN1A):c.751A>T (p.Met251Leu)

Gene: SCN1A (sodium voltage-gated channel alpha subunit 1; minus strand). Cytogenetic location: 2q24.3.
Variant type: single nucleotide variant.
Coding change: c.751A>T on transcript NM_001165963.4 (MANE Select); coding-DNA position 751, A replaced by T.
Protein change: p.Met251Leu; replaces methionine 251 with leucine.
Molecular consequence: missense variant. On other transcripts: 5 prime UTR variant (1), non-coding transcript variant (1).
Genome position (GRCh38, 1-based): chr2:166,051,932, T>A on the plus strand (A>T on the coding strand, the complement: SCN1A is on the minus strand). VCF-style: chr2-166051932-T-A. GRCh37 (hg19) VCF-style: chr2-166908442-T-A.
Other names: c.751A>T, p.Met251Leu (NM_001165964.3, NM_001202435.3, NM_001353948.2 and 10 more transcripts); c.-1675A>T (NM_001353961.2); short protein forms M251L.
Identifiers: ClinVar variation 1511616 (VCV001511616.9), dbSNP rs2105890375, ClinGen allele CA349073604.